The following is an entry in ClinVar:

ClinVar aggregate classification (germline): Pathogenic (1 of 4 stars; one submission).

Conditions:
Muscular dystrophy-dystroglycanopathy. Also called: Congenital muscular dystrophy due to dystroglycanopathy. Identifiers: Orphanet 370953, MedGen C5679911, MONDO:0018276.

Allele frequency attached by ClinVar (database versions not stated): gnomAD exomes below 0.00001.

Submission:

Broad Center for Mendelian Genomics, Broad Institute of MIT and Harvard
Classification: Pathogenic for Muscular dystrophy-dystroglycanopathy. Last evaluated: 2023-01-24. Review status: criteria provided, single submitter. Criteria: ACMG Guidelines, 2015. Collection method: curation. Allele origin: germline. Inheritance: Autosomal recessive inheritance.
Comment: The p.Glu102Ter variant in POMGNT1 has been previously reported in one individual, in the homozygous state, with POMGNT1-associated muscular dystrophy-dystroglycanopathy (PMID: 35532665), and has been identified in 0.00003% (1/30616) of South Asian chromosomes by the Genome Aggregation Database (gnomAD; dbSNP ID: rs749603354). Although this variant has been seen in the general population in a heterozygous state, its frequency is low enough to be consistent with a recessive carrier frequency. This nonsense variant leads to a premature termination codon at position 102, which is predicted to lead to a truncated or absent protein. Loss of function of the POMGNT1 gene is an established disease mechanism in autosomal recessive POMGNT1-associated muscular dystrophy-dystroglycanopathy. In summary, this variant meets criteria to be classified as pathogenic for POMGNT1-associated muscular dystrophy-dystroglycanopathy. ACMG/AMP Criteria applied: PVS1_Moderate, PM2_Supporting, PM3_Supporting (Richards 2015).

NM_017739.4(POMGNT1):c.303_304insT (p.Glu102Ter)

Gene: POMGNT1 (protein O-linked mannose N-acetylglucosaminyltransferase 1 (beta 1,2-); minus strand). Cytogenetic location: 1p34.1.
Variant type: Insertion.
Coding change: c.303_304insT on transcript NM_017739.4 (MANE Select); coding-DNA positions 303 to 304, T inserted.
Protein change: p.Glu102Ter; replaces glutamic acid 102 with a stop codon.
Molecular consequence: nonsense. On other transcripts: frameshift variant (1), 5 prime UTR variant (1).
Genome position: GRCh38 VCF-style: chr1-46196781-C-CA. GRCh37 (hg19) VCF-style: chr1-46662453-C-CA.
Other names: NM_017739.4:c.303_304insT; c.303_304insT, p.Glu102Ter (NM_001243766.2, NM_001410783.1); c.237_238insT, p.Glu80Terfs (NM_001290129.3); c.-127_-126insT (NM_001290130.2); short protein forms E102*, E80*.
Identifiers: ClinVar variation 2412674 (VCV002412674.1), dbSNP rs1557677834, ClinGen allele CA522811914.